The following is an entry in ClinVar:

ClinVar aggregate classification (germline): Uncertain significance (1 of 4 stars; one submission).

Conditions:
Melanoma, cutaneous malignant, susceptibility to, 5. Also called: Cutaneous malignant melanoma 5. Identifiers: Orphanet 618, MedGen C2751295, MONDO:0013133, OMIM 613099.

Submission:

Labcorp Genetics (formerly Invitae), Labcorp
Classification: Uncertain significance for Melanoma, cutaneous malignant, susceptibility to, 5. Last evaluated: 2025-07-09. Review status: criteria provided, single submitter. Criteria: Invitae Variant Classification Sherloc (09022015). Collection method: clinical testing. Allele origin: germline.
Comment: This sequence change replaces asparagine, which is neutral and polar, with lysine, which is basic and polar, at codon 29 of the MC1R protein (p.Asn29Lys). This variant is not present in population databases (gnomAD no frequency). This missense change has been observed in individual(s) with cutaneous melanoma (PMID: 23360207). An algorithm developed to predict the effect of missense changes on protein structure and function (PolyPhen-2) suggests that this variant is likely to be tolerated. In summary, the available evidence is currently insufficient to determine the role of this variant in disease. Therefore, it has been classified as a Variant of Uncertain Significance.

Literature cited by the submitters: PubMed 23360207.

NM_002386.4(MC1R):c.87C>A (p.Asn29Lys)

Gene: MC1R (melanocortin 1 receptor; plus strand). Cytogenetic location: 16q24.3.
Variant type: single nucleotide variant.
Coding change: c.87C>A on transcript NM_002386.4 (MANE Select); coding-DNA position 87, C replaced by A.
Protein change: p.Asn29Lys; replaces asparagine 29 with lysine.
Molecular consequence: missense variant.
Genome position (GRCh38, 1-based): chr16:89,919,345, C>A. VCF-style: chr16-89919345-C-A. GRCh37 (hg19) VCF-style: chr16-89985753-C-A.
Other names: short protein forms N29K.
Identifiers: ClinVar variation 4802813 (VCV004802813.1).